The following is an entry in ClinVar:

NM_022114.4(PRDM16):c.481A>T (p.Asn161Tyr)

Gene: PRDM16 (PR/SET domain 16; plus strand). Cytogenetic location: 1p36.32.
Variant type: single nucleotide variant.
Coding change: c.481A>T on transcript NM_022114.4 (MANE Select); coding-DNA position 481, A replaced by T.
Protein change: p.Asn161Tyr; replaces asparagine 161 with tyrosine.
Molecular consequence: missense variant.
Genome position (GRCh38, 1-based): chr1:3,385,194, A>T. VCF-style: chr1-3385194-A-T. GRCh37 (hg19) VCF-style: chr1-3301758-A-T.
Other names: c.481A>T, p.Asn161Tyr (NM_199454.3); short protein forms N161Y.
Identifiers: ClinVar variation 566207 (VCV000566207.11), dbSNP rs374664141, ClinGen allele CA543833.
Genomic context (GRCh38, chr1:3,385,194, plus strand): 5'-TCGCTTTCCTCCCAGCAGATCTCCGAAGACCTGGGCAGTGAGAAGTTCTGCGTGGATGCA[A>T]ATCAGGCGGGGGCTGGCAGCTGGCTCAAGTACATCCGTGTGGCGTGCTCCTGCGATGACC-3'
Protein context (NP_071397.3, residues 151-171): LGSEKFCVDA[Asn161Tyr]QAGAGSWLKY

ClinVar aggregate classification (germline): Uncertain significance. Review status: criteria provided, multiple submitters, no conflicts (2 of 4 stars). 4 submissions from 4 submitters: Uncertain significance (4). Last evaluated 2025-12-08.

Conditions:
Inborn genetic diseases. Identifiers: MedGen C0950123, MeSH D030342.
Left ventricular noncompaction 8 (LVNC8). Identifiers: Orphanet 154, Orphanet 54260, MedGen C3809288, MONDO:0014152, OMIM 615373.

Submissions (4):

Labcorp Genetics (formerly Invitae), Labcorp
Classification: Uncertain significance for Left ventricular noncompaction 8. Last evaluated: 2025-12-08. Review status: criteria provided, single submitter. Criteria: Invitae Variant Classification Sherloc (09022015). Collection method: clinical testing. Allele origin: germline.
Comment: This sequence change replaces asparagine, which is neutral and polar, with tyrosine, which is neutral and polar, at codon 161 of the PRDM16 protein (p.Asn161Tyr). This variant is present in population databases (rs374664141, gnomAD 0.006%). This variant has not been reported in the literature in individuals affected with PRDM16-related conditions. ClinVar contains an entry for this variant (Variation ID: 566207). An algorithm developed to predict the effect of missense changes on protein structure and function (PolyPhen-2) suggests that this variant is likely to be tolerated. In summary, the available evidence is currently insufficient to determine the role of this variant in disease. Therefore, it has been classified as a Variant of Uncertain Significance.

Women's Health and Genetics/Laboratory Corporation of America, LabCorp
Classification: Uncertain significance. Last evaluated: 2025-09-08. Review status: criteria provided, single submitter. Criteria: LabCorp Variant Classification Summary - May 2015. Collection method: clinical testing. Allele origin: germline.

GeneDx
Classification: Uncertain significance. Last evaluated: 2023-12-29. Review status: criteria provided, single submitter. Criteria: GeneDx Variant Classification Process June 2021. Collection method: clinical testing. Allele origin: germline. Affected: yes.
Comment: Not observed at significant frequency in large population cohorts (gnomAD); In silico analysis supports that this missense variant has a deleterious effect on protein structure/function; Has not been previously published as pathogenic or benign to our knowledge

Ambry Genetics
Classification: Uncertain significance for Inborn genetic diseases. Last evaluated: 2021-08-02. Review status: criteria provided, single submitter. Criteria: Ambry Variant Classification Scheme 2023. Collection method: clinical testing. Allele origin: germline.